The following is an entry in ClinVar:

NM_000301.5(PLG):c.992G>C (p.Arg331Thr)

Gene: PLG (plasminogen; plus strand). Cytogenetic location: 6q26.
Variant type: single nucleotide variant.
Coding change: c.992G>C on transcript NM_000301.5 (MANE Select); coding-DNA position 992, G replaced by C.
Protein change: p.Arg331Thr; replaces arginine 331 with threonine.
Molecular consequence: missense variant.
Genome position (GRCh38, 1-based): chr6:160,718,734, G>C. VCF-style: chr6-160718734-G-C. GRCh37 (hg19) VCF-style: chr6-161139766-G-C.
Other names: short protein forms R331T.
Identifiers: ClinVar variation 3593321 (VCV003593321.4).

ClinVar aggregate classification (germline): Conflicting classifications of pathogenicity. Review status: criteria provided, conflicting classifications (1 of 4 stars). 3 submissions from 3 submitters: Uncertain significance (2); Likely benign (1). Last evaluated 2024-12-30.

Conditions:
Angioedema, hereditary, 4. Identifiers: MedGen C5543503, MONDO:0025712, OMIM 619360.
Plasminogen deficiency, type I. Also called: Type 1 plasminogen deficiency; Hypoplasminogenemia. Identifiers: Orphanet 722, MedGen C1968804, MONDO:0009009, OMIM 217090.
Inborn genetic diseases. Identifiers: MedGen C0950123, MeSH D030342.

gnomAD v4.1: 1 of 1,613,860 alleles (0.000062%); highest among the groups gnomAD compares: Non-Finnish European, 0.000085%; no homozygotes.

Submissions (3):

Ambry Genetics
Classification: Likely benign for Inborn genetic diseases. Last evaluated: 2024-12-30. Review status: criteria provided, single submitter. Criteria: Ambry Variant Classification Scheme 2023. Collection method: clinical testing. Allele origin: germline.

Fulgent Genetics
Classification: Uncertain significance for Plasminogen deficiency, type I; Angioedema, hereditary, 4. Last evaluated: 2024-04-10. Review status: criteria provided, single submitter. Criteria: ACMG Guidelines, 2015. Collection method: clinical testing. Allele origin: germline.

Labcorp Genetics (formerly Invitae), Labcorp
Classification: Uncertain significance. Last evaluated: 2024-02-14. Review status: criteria provided, single submitter. Criteria: Invitae Variant Classification Sherloc (09022015). Collection method: clinical testing. Allele origin: germline.
Comment: This sequence change replaces arginine, which is basic and polar, with threonine, which is neutral and polar, at codon 331 of the PLG protein (p.Arg331Thr). This variant is not present in population databases (gnomAD no frequency). This variant has not been reported in the literature in individuals affected with PLG-related conditions. Advanced modeling of protein sequence and biophysical properties (such as structural, functional, and spatial information, amino acid conservation, physicochemical variation, residue mobility, and thermodynamic stability) performed at Invitae indicates that this missense variant is not expected to disrupt PLG protein function with a negative predictive value of 80%. In summary, the available evidence is currently insufficient to determine the role of this variant in disease. Therefore, it has been classified as a Variant of Uncertain Significance.